The following is an entry in ClinVar:

NM_003361.4(UMOD):c.1208G>A (p.Ser403Asn)

Gene: UMOD (uromodulin; minus strand). Cytogenetic location: 16p12.3.
Variant type: single nucleotide variant.
Coding change: c.1208G>A on transcript NM_003361.4 (MANE Select); coding-DNA position 1208, G replaced by A.
Protein change: p.Ser403Asn; replaces serine 403 with asparagine.
Molecular consequence: missense variant. On other transcripts: non-coding transcript variant (1).
Genome position (GRCh38, 1-based): chr16:20,344,147, C>T on the plus strand (G>A on the coding strand, the complement: UMOD is on the minus strand). VCF-style: chr16-20344147-C-T. GRCh37 (hg19) VCF-style: chr16-20355469-C-T.
Other names: c.1208G>A, p.Ser403Asn (NM_001008389.3, NM_001378232.1, NM_001378233.1 and 3 more transcripts); c.1307G>A, p.Ser436Asn (NM_001278614.2); short protein forms S403N, S436N.
Identifiers: ClinVar variation 2023195 (VCV002023195.4), dbSNP rs749428596, ClinGen allele CA7939227.

ClinVar aggregate classification (germline): Uncertain significance (1 of 4 stars; one submission).

Allele frequency attached by ClinVar (database versions not stated): TOPMed below 0.00001; ExAC 0.00001; gnomAD 0.00001.
gnomAD v4.1: 1 of 1,519,358 alleles (0.000066%); highest among the groups gnomAD compares: Admixed American, 0.0018%; no homozygotes.

Submission:

Labcorp Genetics (formerly Invitae), Labcorp
Classification: Uncertain significance. Last evaluated: 2024-06-03. Review status: criteria provided, single submitter. Criteria: Invitae Variant Classification Sherloc (09022015). Collection method: clinical testing. Allele origin: germline.
Comment: This sequence change replaces serine, which is neutral and polar, with asparagine, which is neutral and polar, at codon 403 of the UMOD protein (p.Ser403Asn). This variant is not present in population databases (gnomAD no frequency). This variant has not been reported in the literature in individuals affected with UMOD-related conditions. ClinVar contains an entry for this variant (Variation ID: 2023195). Advanced modeling of protein sequence and biophysical properties (such as structural, functional, and spatial information, amino acid conservation, physicochemical variation, residue mobility, and thermodynamic stability) performed at Invitae indicates that this missense variant is not expected to disrupt UMOD protein function with a negative predictive value of 95%. In summary, the available evidence is currently insufficient to determine the role of this variant in disease. Therefore, it has been classified as a Variant of Uncertain Significance.